The following is an entry in ClinVar:

ClinVar aggregate classification (germline): Uncertain significance (1 of 4 stars; one submission).

Conditions:
Epilepsy, idiopathic generalized, susceptibility to, 17 (EIG17). Identifiers: MedGen C5561931, MONDO:0100519, OMIM 602477.

Submission:

MVZ Medizinische Genetik Mainz
Classification: Uncertain significance for Epilepsy, idiopathic generalized, susceptibility to, 17. Last evaluated: 2023-04-21. Review status: criteria provided, single submitter. Criteria: UK Practice Guidelines For Variant Classification V4 01 2020. Collection method: clinical testing. Allele origin: germline. Inheritance: Autosomal dominant inheritance. Affected: yes. Observed: 1 variant allele.
Comment: ACMG Criteria: PP3_MOD,PM2_SUP,PP2

NM_001194.4(HCN2):c.1694T>G (p.Phe565Cys)

Gene: HCN2 (hyperpolarization activated cyclic nucleotide gated potassium and sodium channel 2; plus strand). Cytogenetic location: 19p13.3.
Variant type: single nucleotide variant.
Coding change: c.1694T>G on transcript NM_001194.4 (MANE Select); coding-DNA position 1694, T replaced by G.
Protein change: p.Phe565Cys; replaces phenylalanine 565 with cysteine.
Molecular consequence: missense variant.
Genome position (GRCh38, 1-based): chr19:613,357, T>G. VCF-style: chr19-613357-T-G. GRCh37 (hg19) VCF-style: chr19-613357-T-G.
Other names: short protein forms F565C.
Identifiers: ClinVar variation 3236378 (VCV003236378.1), dbSNP rs2512457945, ClinGen allele CA402881384.